The following is an entry in ClinVar:

ClinVar aggregate classification (germline): Uncertain significance. Review status: criteria provided, multiple submitters, no conflicts (2 of 4 stars). 3 submissions from 3 submitters: Uncertain significance (3). Last evaluated 2025-08-29.

Conditions:
Inborn genetic diseases. Identifiers: MedGen C0950123, MeSH D030342.
Hypersulfaturia (HYSULF). Identifiers: MedGen C5830511, MONDO:0957268, OMIM 620372.
Nephrolithiasis susceptibility caused by SLC26A1 (CAON1). Also called: NEPHROLITHIASIS, CALCIUM OXALATE, 1. Identifiers: MedGen C5779632, MONDO:0020722, OMIM 167030.

Submissions (3):

Ambry Genetics
Classification: Uncertain significance for Inborn genetic diseases. Last evaluated: 2025-08-29. Review status: criteria provided, single submitter. Criteria: Ambry Variant Classification Scheme 2023. Collection method: clinical testing. Allele origin: germline.

Labcorp Genetics (formerly Invitae), Labcorp
Classification: Uncertain significance. Last evaluated: 2024-02-16. Review status: criteria provided, single submitter. Criteria: Invitae Variant Classification Sherloc (09022015). Collection method: clinical testing. Allele origin: germline.
Comment: This sequence change replaces aspartic acid, which is acidic and polar, with asparagine, which is neutral and polar, at codon 263 of the SLC26A1 protein (p.Asp263Asn). This variant is present in population databases (rs532255174, gnomAD 0.03%). This variant has not been reported in the literature in individuals affected with SLC26A1-related conditions. Advanced modeling of protein sequence and biophysical properties (such as structural, functional, and spatial information, amino acid conservation, physicochemical variation, residue mobility, and thermodynamic stability) has been performed at Invitae for this missense variant, however the output from this modeling did not meet the statistical confidence thresholds required to predict the impact of this variant on SLC26A1 protein function. In summary, the available evidence is currently insufficient to determine the role of this variant in disease. Therefore, it has been classified as a Variant of Uncertain Significance.

Fulgent Genetics
Classification: Uncertain significance for Nephrolithiasis susceptibility caused by SLC26A1; Hypersulfaturia. Last evaluated: 2024-01-30. Review status: criteria provided, single submitter. Criteria: ACMG Guidelines, 2015. Collection method: clinical testing. Allele origin: germline.

NM_022042.4(SLC26A1):c.787G>A (p.Asp263Asn)

Genes: IDUA (alpha-L-iduronidase; plus strand), SLC26A1 (solute carrier family 26 member 1; minus strand). Cytogenetic location: 4p16.3.
Variant type: single nucleotide variant.
Coding change: c.787G>A on transcript NM_022042.4 (MANE Select); coding-DNA position 787, G replaced by A.
Protein change: p.Asp263Asn; replaces aspartic acid 263 with asparagine.
Molecular consequence: missense variant. On other transcripts: intron variant (2).
Genome position (GRCh38, 1-based): chr4:990,152, C>T on the plus strand (G>A on the coding strand, the complement: SLC26A1 is on the minus strand). VCF-style: chr4-990152-C-T. GRCh37 (hg19) VCF-style: chr4-983940-C-T.
Other names: c.787G>A, p.Asp263Asn (NM_213613.4); c.576+976G>A (NM_134425.4); c.299+2203C>T (NM_000203.5); c.787G>A (NM_213613.2); short protein forms D263N.
Identifiers: ClinVar variation 3591513 (VCV003591513.4).